The following is an entry in ClinVar:

NM_017617.5(NOTCH1):c.4057G>A (p.Gly1353Ser)

Gene: NOTCH1 (notch receptor 1; minus strand). Cytogenetic location: 9q34.3.
Variant type: single nucleotide variant.
Coding change: c.4057G>A on transcript NM_017617.5 (MANE Select); coding-DNA position 4057, G replaced by A.
Protein change: p.Gly1353Ser; replaces glycine 1353 with serine.
Molecular consequence: missense variant.
Genome position (GRCh38, 1-based): chr9:136,505,839, C>T on the plus strand (G>A on the coding strand, the complement: NOTCH1 is on the minus strand). VCF-style: chr9-136505839-C-T. GRCh37 (hg19) VCF-style: chr9-139400291-C-T.
Other names: c.4057G>A, p.Gly1353Ser (LRG_1122t1); short protein forms G1353S.
Identifiers: ClinVar variation 636903 (VCV000636903.7), dbSNP rs761908188, ClinGen allele CA5340697.

ClinVar aggregate classification (germline): Conflicting classifications of pathogenicity. Review status: criteria provided, conflicting classifications (1 of 4 stars). 3 submissions from 3 submitters: Uncertain significance (2); Benign (1). Last evaluated 2025-01-23.

Conditions:
Adams-Oliver syndrome 5 (AOS5). Identifiers: Orphanet 974, MedGen C4014970, MONDO:0014459, OMIM 616028.
Familial thoracic aortic aneurysm and aortic dissection (TAAD). Also called: Thoracic aortic aneurysms and dissections. Identifiers: Orphanet 91387, MedGen C4707243, MONDO:0019625.

Allele frequency attached by ClinVar (database versions not stated): ExAC 0.00001; gnomAD 0.00001 and 0.00002; gnomAD exomes 0.00001; TOPMed 0.00002.
gnomAD v4.1: 21 of 1,594,452 alleles (0.0013%); highest among the groups gnomAD compares: Middle Eastern, 0.017%; no homozygotes.

Submissions (3):

Labcorp Genetics (formerly Invitae), Labcorp
Classification: Benign for Adams-Oliver syndrome 5. Last evaluated: 2025-01-23. Review status: criteria provided, single submitter. Criteria: Invitae Variant Classification Sherloc (09022015). Collection method: clinical testing. Allele origin: germline.

Ambry Genetics
Classification: Uncertain significance for Familial thoracic aortic aneurysm and aortic dissection. Last evaluated: 2024-01-01. Review status: criteria provided, single submitter. Criteria: Ambry Variant Classification Scheme 2023. Collection method: clinical testing. Allele origin: germline.
Comment: The p.G1353S variant (also known as c.4057G>A), located in coding exon 25 of the NOTCH1 gene, results from a G to A substitution at nucleotide position 4057. The glycine at codon 1353 is replaced by serine, an amino acid with similar properties. This amino acid position is conserved. In addition, this alteration is predicted to be tolerated by in silico analysis. Since supporting evidence is limited at this time, the clinical significance of this alteration remains unclear.

Blueprint Genetics
Classification: Uncertain significance. Last evaluated: 2018-12-23. Review status: criteria provided, single submitter. Criteria: ACMG Guidelines, 2015. Collection method: clinical testing. Allele origin: germline.